The following is an entry in ClinVar:

NM_001297.5(CNGB1):c.2710A>G (p.Met904Val)

Gene: CNGB1 (cyclic nucleotide gated channel subunit beta 1; minus strand). Cytogenetic location: 16q21.
Variant type: single nucleotide variant.
Coding change: c.2710A>G on transcript NM_001297.5 (MANE Select); coding-DNA position 2710, A replaced by G.
Protein change: p.Met904Val; replaces methionine 904 with valine.
Molecular consequence: missense variant.
Genome position (GRCh38, 1-based): chr16:57,903,906, T>C on the plus strand (A>G on the coding strand, the complement: CNGB1 is on the minus strand). VCF-style: chr16-57903906-T-C. GRCh37 (hg19) VCF-style: chr16-57937810-T-C.
Other names: c.2692A>G, p.Met898Val (NM_001286130.2); short protein forms M898V, M904V.
Identifiers: ClinVar variation 4760363 (VCV004760363.1).

ClinVar aggregate classification (germline): Uncertain significance (1 of 4 stars; one submission).

gnomAD v4.1: 6 of 1,614,170 alleles (0.00037%); highest among the groups gnomAD compares: East Asian, 0.011%; no homozygotes.

Submission:

Labcorp Genetics (formerly Invitae), Labcorp
Classification: Uncertain significance. Last evaluated: 2025-05-08. Review status: criteria provided, single submitter. Criteria: Invitae Variant Classification Sherloc (09022015). Collection method: clinical testing. Allele origin: germline.
Comment: This sequence change replaces methionine, which is neutral and non-polar, with valine, which is neutral and non-polar, at codon 904 of the CNGB1 protein (p.Met904Val). This variant is present in population databases (rs193155551, gnomAD 0.02%). This variant has not been reported in the literature in individuals affected with CNGB1-related conditions. Invitae Evidence Modeling of protein sequence and biophysical properties (such as structural, functional, and spatial information, amino acid conservation, physicochemical variation, residue mobility, and thermodynamic stability) indicates that this missense variant is expected to disrupt CNGB1 protein function with a positive predictive value of 80%. In summary, the available evidence is currently insufficient to determine the role of this variant in disease. Therefore, it has been classified as a Variant of Uncertain Significance.